The following is an entry in ClinVar:

ClinVar aggregate classification (germline): not provided (0 of 4 stars; one submission).

Conditions:
Familial cold autoinflammatory syndrome 1 (FCAS1). Also called: CRYOPYRIN-ASSOCIATED PERIODIC SYNDROME 1; Familial cold inflammatory syndrome 1. Identifiers: Orphanet 47045, MedGen C4551895, MONDO:0007349, OMIM 120100.

Submission:

Unité médicale des maladies autoinflammatoires, CHRU Montpellier
No classification provided. Condition: Familial cold urticaria. Review status: no classification provided. Collection method: not provided. Allele origin: unknown.
Comment: also involved in OMIM 191900 and 607115

NM_001243133.2(NLRP3):c.1062G>T (p.Glu354Asp)

Gene: NLRP3 (NLR family pyrin domain containing 3; plus strand). Cytogenetic location: 1q44.
Variant type: single nucleotide variant.
Coding change: c.1062G>T on transcript NM_001243133.2 (MANE Select); coding-DNA position 1062, G replaced by T.
Protein change: p.Glu354Asp; replaces glutamic acid 354 with aspartic acid.
Molecular consequence: missense variant.
Genome position (GRCh38, 1-based): chr1:247,424,511, G>T. VCF-style: chr1-247424511-G-T. GRCh37 (hg19) VCF-style: chr1-247587813-G-T.
Other names: c.1062G>T, p.Glu354Asp (NM_001079821.3, NM_001127461.3, NM_001127462.3 and 1 more transcripts); c.1068G>T, p.Glu356Asp (NM_004895.5); short protein forms E356D, E354D.
Identifiers: ClinVar variation 97913 (VCV000097913.1), dbSNP rs180177444, ClinGen allele CA281133.